The following is an entry in ClinVar:

ClinVar aggregate classification (germline): Likely benign. Review status: criteria provided, single submitter (1 of 4 stars). 2 submissions from 2 submitters: Likely benign (1). 1 of the submissions does not count toward it. Last evaluated 2026-01-27.

Conditions:
Congenital myasthenic syndrome 5. Identifiers: Orphanet 590, MedGen C1864233, MONDO:0011281, OMIM 603034.
COLQ-related disorder. Also called: COLQ-related condition.

Allele frequency attached by ClinVar (database versions not stated): TOPMed 0.00008; 1000 Genomes Project 30x 0.00016.
gnomAD v4.1: 59 of 1,613,106 alleles (0.0037%); highest among the groups gnomAD compares: Admixed American, 0.063%; no homozygotes.

Submissions (2):

Labcorp Genetics (formerly Invitae), Labcorp
Classification: Likely benign for Congenital myasthenic syndrome 5. Last evaluated: 2026-01-27. Review status: criteria provided, single submitter. Criteria: Invitae Variant Classification Sherloc (09022015). Collection method: clinical testing. Allele origin: germline.

PreventionGenetics, part of Exact Sciences
Classification: Likely benign for COLQ-related condition. Last evaluated: 2020-03-25. Review status: no assertion criteria provided. Collection method: clinical testing. Allele origin: germline. Not counted in ClinVar's aggregate classification.
Comment: This variant is classified as likely benign based on ACMG/AMP sequence variant interpretation guidelines (Richards et al. 2015 PMID: 25741868, with internal and published modifications).

NM_005677.4(COLQ):c.291G>T (p.Ser97=)

Gene: COLQ (collagen like tail subunit of asymmetric acetylcholinesterase; minus strand). Cytogenetic location: 3p25.1.
Variant type: single nucleotide variant.
Coding change: c.291G>T on transcript NM_005677.4 (MANE Select); coding-DNA position 291, G replaced by T.
Protein change: p.Ser97=; no amino-acid change (serine 97 retained).
Molecular consequence: synonymous variant. On other transcripts: intron variant (1).
Genome position (GRCh38, 1-based): chr3:15,488,236, C>A on the plus strand (G>T on the coding strand, the complement: COLQ is on the minus strand). VCF-style: chr3-15488236-C-A. GRCh37 (hg19) VCF-style: chr3-15529743-C-A.
Other names: c.261G>T, p.Ser87= (NM_080538.2); c.219+1289G>T (NM_080539.4).
Identifiers: ClinVar variation 703825 (VCV000703825.13), dbSNP rs115201284, ClinGen allele CA2276260.